The following is an entry in ClinVar:

ClinVar aggregate classification (germline): Uncertain significance (1 of 4 stars; one submission).

gnomAD v4.1: 8 of 1,613,934 alleles (0.0005%); highest among the groups gnomAD compares: East Asian, 0.0022%; no homozygotes.

Submission:

Labcorp Genetics (formerly Invitae), Labcorp
Classification: Uncertain significance. Last evaluated: 2022-02-23. Review status: criteria provided, single submitter. Criteria: Invitae Variant Classification Sherloc (09022015). Collection method: clinical testing. Allele origin: germline.
Comment: This sequence change replaces serine, which is neutral and polar, with threonine, which is neutral and polar, at codon 1482 of the ABCC6 protein (p.Ser1482Thr). This variant is not present in population databases (gnomAD no frequency). This variant has not been reported in the literature in individuals affected with ABCC6-related conditions. Advanced modeling of protein sequence and biophysical properties (such as structural, functional, and spatial information, amino acid conservation, physicochemical variation, residue mobility, and thermodynamic stability) performed at Invitae indicates that this missense variant is not expected to disrupt ABCC6 protein function. In summary, the available evidence is currently insufficient to determine the role of this variant in disease. Therefore, it has been classified as a Variant of Uncertain Significance.

NM_001171.6(ABCC6):c.4445G>C (p.Ser1482Thr)

Gene: ABCC6 (ATP binding cassette subfamily C member 6; minus strand). Cytogenetic location: 16p13.11.
Variant type: single nucleotide variant.
Coding change: c.4445G>C on transcript NM_001171.6 (MANE Select); coding-DNA position 4445, G replaced by C.
Protein change: p.Ser1482Thr; replaces serine 1482 with threonine.
Molecular consequence: missense variant. On other transcripts: non-coding transcript variant (1).
Genome position (GRCh38, 1-based): chr16:16,150,200, C>G on the plus strand (G>C on the coding strand, the complement: ABCC6 is on the minus strand). VCF-style: chr16-16150200-C-G. GRCh37 (hg19) VCF-style: chr16-16244057-C-G.
Other names: c.4103G>C, p.Ser1368Thr (NM_001351800.1); short protein forms S1482T, S1368T.
Identifiers: ClinVar variation 1937432 (VCV001937432.2), dbSNP rs915093936, ClinGen allele CA394883567.